The following is an entry in ClinVar:

ClinVar aggregate classification (germline): Conflicting classifications of pathogenicity. Review status: criteria provided, conflicting classifications (1 of 4 stars). 11 submissions from 11 submitters: Uncertain significance (10); Likely benign (1). Last evaluated 2025-11-02.

Conditions:
Generalized juvenile polyposis/juvenile polyposis coli. Also called: Juvenile polyposis coli. Identifiers: Orphanet 329971, MedGen C1868081, MONDO:0008276.
Hereditary cancer-predisposing syndrome. Also called: Neoplastic Syndromes, Hereditary; Tumor predisposition; Hereditary neoplastic syndrome; Hereditary Cancer Syndrome. Identifiers: Orphanet 140162, MedGen C0027672, MeSH D009386, MONDO:0015356.
Juvenile polyposis syndrome (JPS). Identifiers: Orphanet 2929, MedGen C0345893, MONDO:0017380, OMIM 174900.
Polyposis syndrome, hereditary mixed, 2. Identifiers: Orphanet 157794, MedGen C1864730, MONDO:0012405, OMIM 610069.

Allele frequency attached by ClinVar (database versions not stated): TOPMed below 0.00001; ExAC 0.00001; gnomAD 0.00001; gnomAD exomes 0.00001.
gnomAD v4.1: 18 of 1,614,014 alleles (0.0011%); highest among the groups gnomAD compares: Middle Eastern, 0.033%; 1 homozygote.

Submissions (11):

Labcorp Genetics (formerly Invitae), Labcorp
Classification: Uncertain significance for Juvenile polyposis syndrome. Last evaluated: 2025-11-02. Review status: criteria provided, single submitter. Criteria: Invitae Variant Classification Sherloc (09022015). Collection method: clinical testing. Allele origin: germline.
Comment: This sequence change replaces arginine, which is basic and polar, with serine, which is neutral and polar, at codon 329 of the BMPR1A protein (p.Arg329Ser). This variant is present in population databases (rs753521037, gnomAD 0.003%). This variant has not been reported in the literature in individuals affected with BMPR1A-related conditions. ClinVar contains an entry for this variant (Variation ID: 246321). Invitae Evidence Modeling incorporating data from in vitro experimental studies (internal data) indicates that this missense variant is not expected to disrupt BMPR1A function with a negative predictive value of 95%. In summary, the available evidence is currently insufficient to determine the role of this variant in disease. Therefore, it has been classified as a Variant of Uncertain Significance.

All of Us Research Program, National Institutes of Health
Classification: Uncertain significance for Juvenile polyposis syndrome. Last evaluated: 2024-09-23. Review status: criteria provided, single submitter. Criteria: ACMG Guidelines, 2015. Collection method: clinical testing. Allele origin: germline. Inheritance: Autosomal dominant inheritance. Observed: 5 variant alleles, 5 heterozygotes.
Comment: This missense variant replaces arginine with serine at codon 329 of the BMPR1A protein. Computational prediction is inconclusive regarding the impact of this variant on protein structure and function (internally defined REVEL score threshold 0.5 < inconclusive < 0.7, PMID: 27666373). To our knowledge, functional studies have not been reported for this variant. This variant has not been reported in individuals affected with hereditary cancer in the literature. This variant has been identified in 1/251176 chromosomes in the general population by the Genome Aggregation Database (gnomAD). The available evidence is insufficient to determine the role of this variant in disease conclusively. Therefore, this variant is classified as a Variant of Uncertain Significance.

This study involves interpretation of variants in research participants for the purpose of population health screening. Participant phenotype was not available at the time of variant classification. Additional details can be found in publication PMID: 35346344, PMCID: PMC8962531

Mayo Clinic Laboratories, Mayo Clinic
Classification: Uncertain significance. Last evaluated: 2024-08-27. Review status: criteria provided, single submitter. Criteria: ACMG Guidelines, 2015. Collection method: clinical testing. Allele origin: germline. Observed: 1 variant allele.
Comment: BP4, PM2

Color Diagnostics, LLC DBA Color Health
Classification: Uncertain significance for Hereditary cancer-predisposing syndrome. Last evaluated: 2024-03-06. Review status: criteria provided, single submitter. Criteria: ACMG Guidelines, 2015. Collection method: clinical testing. Allele origin: germline.
Comment: This missense variant replaces arginine with serine at codon 329 of the BMPR1A protein. Computational prediction suggests that this variant may not impact protein structure and function (internally defined REVEL score threshold <= 0.5, PMID: 27666373). To our knowledge, functional studies have not been reported for this variant. This variant has not been reported in individuals affected with BMPR1A-related disorders in the literature. This variant has been identified in 1/251176 chromosomes in the general population by the Genome Aggregation Database (gnomAD). The available evidence is insufficient to determine the role of this variant in disease conclusively. Therefore, this variant is classified as a Variant of Uncertain Significance.

Baylor Genetics
Classification: Uncertain significance for Polyposis syndrome, hereditary mixed, 2. Last evaluated: 2023-08-11. Review status: criteria provided, single submitter. Criteria: ACMG Guidelines, 2015. Collection method: clinical testing. Allele origin: unknown.

GeneDx
Classification: Uncertain significance. Last evaluated: 2023-07-14. Review status: criteria provided, single submitter. Criteria: GeneDx Variant Classification Process June 2021. Collection method: clinical testing. Allele origin: germline. Affected: yes.
Comment: Not observed at significant frequency in large population cohorts (gnomAD); In silico analysis supports that this missense variant does not alter protein structure/function; Has not been previously published as pathogenic or benign to our knowledge

Ambry Genetics
Classification: Likely benign for Hereditary cancer-predisposing syndrome. Last evaluated: 2023-02-28. Review status: criteria provided, single submitter. Criteria: Ambry Variant Classification Scheme 2023. Collection method: clinical testing. Allele origin: germline.

Quest Diagnostics Nichols Institute San Juan Capistrano
Classification: Uncertain significance. Last evaluated: 2022-11-22. Review status: criteria provided, single submitter. Criteria: Quest Diagnostics criteria. Collection method: clinical testing. Allele origin: unknown.
Comment: The variant has not been reported in the published literature. The frequency of this variant in the general population, 0.000004 (1/251176 chromosomes), is uninformative in assessment of its pathogenicity. Analysis of this variant using bioinformatics tools for the prediction of the effect of amino acid changes on protein structure and function yielded predictions that this variant is benign. Based on the available information, we are unable to determine the clinical significance of this variant.

Sema4
Classification: Uncertain significance for Hereditary cancer-predisposing syndrome. Last evaluated: 2022-03-05. Review status: criteria provided, single submitter. Criteria: Sema4 Curation Guidelines. Collection method: curation. Allele origin: germline.
Comment: The BMPR1A c.987A>C (p.R329S) variant has not been reported in the literature to our knowledge. This variant was observed in 1/30616 chromosomes in the South Asian population according to the Genome Aggregation Database (PMID: 32461654). The variant has been reported in ClinVar (Variation ID: 246321). Functional studies have not been performed, and in silico predictions of the variant's effect on protein function are inconclusive. The evidence is insufficient to meet ACMG/AMP criteria for classifying the variant as benign or pathogenic. Thus, the clinical significance of this variant is currently uncertain.

Illumina Laboratory Services, Illumina
Classification: Uncertain significance for Juvenile polyposis syndrome. Last evaluated: 2018-03-30. Review status: criteria provided, single submitter. Criteria: ICSL Variant Classification Criteria 13 December 2019. Collection method: clinical testing. Allele origin: germline.

Women's Health and Genetics/Laboratory Corporation of America, LabCorp
Classification: Uncertain significance. Last evaluated: 2017-01-19. Review status: criteria provided, single submitter. Criteria: LabCorp Variant Classification Summary - May 2015. Collection method: clinical testing. Allele origin: germline.
Comment: Variant summary: The BMPR1A c.987A>C (p.Arg329Ser) variant involves the alteration of a conserved nucleotide. 2/4 in silico tools predict a benign outcome for this variant (SNPs&GO not captured due to low reliability index). This variant was found in 1/121360 control chromosomes at a frequency of 0.0000082, which is approximately 4 times the estimated maximal expected allele frequency of a pathogenic BMPR1A variant (0.000002). In addition, one clinical diagnostic laboratory classified this variant as uncertain significance. The variant of interest has not, to our knowledge, been reported in affected individuals via publications; nor evaluated for functional impact by in vivo/vitro studies. Because of the absence of clinical information and the lack of functional studies, the variant is classified as a variant of uncertain significance (VUS) until additional information becomes available.

NM_004329.3(BMPR1A):c.987A>C (p.Arg329Ser)

Gene: BMPR1A (bone morphogenetic protein receptor type 1A; plus strand). Cytogenetic location: 10q23.2.
Variant type: single nucleotide variant.
Coding change: c.987A>C on transcript NM_004329.3 (MANE Select); coding-DNA position 987, A replaced by C.
Protein change: p.Arg329Ser; replaces arginine 329 with serine.
Molecular consequence: missense variant.
Genome position (GRCh38, 1-based): chr10:86,919,290, A>C. VCF-style: chr10-86919290-A-C. GRCh37 (hg19) VCF-style: chr10-88679047-A-C.
Other names: p.Arg329Ser; short protein forms R329S.
Identifiers: ClinVar variation 246321 (VCV000246321.33), dbSNP rs753521037, ClinGen allele CA5585637.